The following is an entry in ClinVar:

ClinVar aggregate classification (germline): Conflicting classifications of pathogenicity. Review status: criteria provided, conflicting classifications (1 of 4 stars). 5 submissions from 5 submitters: Uncertain significance (4); Likely benign (1). Last evaluated 2025-08-18.

Conditions:
CPS1-related disorder. Also called: CPS1-related condition.
Congenital hyperammonemia, type I. Also called: Carbamoyl phosphate synthetase 1 deficiency; Hyperammonemia due to carbamoyl phosphate synthetase 1 deficiency; CPS 1 deficiency; Carbamyl phosphate synthetase (CPS) deficiency; Carbamoyl-phosphate synthase I deficiency; CPS I DEFICIENCY. Identifiers: Orphanet 147, MedGen C4082171, MONDO:0009376, OMIM 237300.

Allele frequency attached by ClinVar (database versions not stated): gnomAD below 0.00001 and 0.00001; ExAC 0.00011; gnomAD exomes 0.00011.
gnomAD v4.1: 85 of 1,613,938 alleles (0.0053%); highest among the groups gnomAD compares: Middle Eastern, 0.099%; 1 homozygote.

Submissions (5):

Labcorp Genetics (formerly Invitae), Labcorp
Classification: Likely benign for Congenital hyperammonemia, type I. Last evaluated: 2025-08-18. Review status: criteria provided, single submitter. Criteria: Invitae Variant Classification Sherloc (09022015). Collection method: clinical testing. Allele origin: germline.

PreventionGenetics, part of Exact Sciences
Classification: Uncertain significance for CPS1-related condition. Last evaluated: 2023-04-24. Review status: criteria provided, single submitter. Criteria: ACMG Guidelines, 2015. Collection method: clinical testing. Allele origin: germline.
Comment: The CPS1 c.3313C>T variant is predicted to result in the amino acid substitution p.Pro1105Ser. To our knowledge, this variant has not been reported in the literature. This variant is reported in 0.085% of alleles in individuals of South Asian descent in gnomAD, which is more common than expected for an undocumented disease-causing variant. Although we suspect that this variant may be benign, at this time, the clinical significance is uncertain due to the absence of conclusive functional and genetic evidence.

Victorian Clinical Genetics Services, Murdoch Childrens Research Institute
Classification: Uncertain significance for Congenital hyperammonemia, type I. Last evaluated: 2021-05-06. Review status: criteria provided, single submitter. Criteria: ACMG Guidelines, 2015. Collection method: clinical testing. Allele origin: germline. Inheritance: Autosomal recessive inheritance. Affected: yes.
Comment: Based on the classification scheme VCGS_Germline_v1.3.4, this variant is classified as VUS-3B. Following criteria are met: 0102 - Loss of function is a known mechanism of disease in this gene and is associated with carbamoylphosphate synthetase I deficiency (MIM#237300). (I) 0106 - This gene is associated with autosomal recessive disease. (I) 0200 - Variant is predicted to result in a missense amino acid change from proline to serine. (I) 0252 - This variant is homozygous. (I) 0304 - Variant is present in gnomAD <0.01 for a recessive condition (v2: 27 heterozygotes, 0 homozygotes). (SP) 0502 - Missense variant with conflicting in silico predictions and uninformative conservation. (I) 0600 - Variant is located in the annotated ATP_grasp2 domain (Uniprot). (I) 0705 - No comparable missense variants have previous evidence for pathogenicity. (I) 0807 - This variant has no previous evidence of pathogenicity. (I) 0905 - No published segregation evidence has been identified for this variant. (I) 1007 - No published functional evidence has been identified for this variant. (I) Legend: (SP) - Supporting pathogenic, (I) - Information, (SB) - Supporting benign

GeneDx
Classification: Uncertain significance. Last evaluated: 2020-02-06. Review status: criteria provided, single submitter. Criteria: GeneDx Variant Classification Process June 2021. Collection method: clinical testing. Allele origin: germline. Affected: yes.
Comment: Missense variants in this gene are often considered pathogenic (Stenson et al., 2014); In silico analysis supports that this missense variant does not alter protein structure/function; Has not been previously published as pathogenic or benign to our knowledge

Illumina Laboratory Services, Illumina
Classification: Uncertain significance for Congenital hyperammonemia, type I. Last evaluated: 2018-01-13. Review status: criteria provided, single submitter. Criteria: ICSL Variant Classification Criteria 13 December 2019. Collection method: clinical testing. Allele origin: germline.

NM_001875.5(CPS1):c.3313C>T (p.Pro1105Ser)

Gene: CPS1 (carbamoyl-phosphate synthase 1; plus strand). Cytogenetic location: 2q34.
Variant type: single nucleotide variant.
Coding change: c.3313C>T on transcript NM_001875.5 (MANE Select); coding-DNA position 3313, C replaced by T.
Protein change: p.Pro1105Ser; replaces proline 1105 with serine.
Molecular consequence: missense variant. On other transcripts: non-coding transcript variant (2).
Genome position (GRCh38, 1-based): chr2:210,648,034, C>T. VCF-style: chr2-210648034-C-T. GRCh37 (hg19) VCF-style: chr2-211512758-C-T.
Other names: c.3313C>T, p.Pro1105Ser (NM_001122633.3, NM_001369257.1); c.3346C>T, p.Pro1116Ser (NM_001369256.1); short protein forms P1105S, P1116S.
Identifiers: ClinVar variation 897722 (VCV000897722.11), dbSNP rs761921978, ClinGen allele CA2086884.
Genomic context (GRCh38, chr2:210,648,034, plus strand): 5'-AGGGCTGAGGATCGCTCCATCTTCTCAGCTGTCTTGGATGAGCTGAAGGTGGCTCAGGCA[C>T]CTTGGAAAGCTGTTAATACTTTGGTAAGGAGAGAAACAAGTATCTGTTTCTAATGTTCTA-3'
Protein context (NP_001866.2, residues 1095-1115): VLDELKVAQA[Pro1105Ser]WKAVNTLNEA